The following is an entry in ClinVar:

NM_002907.4(RECQL):c.689A>C (p.Asp230Ala)

Gene: RECQL (RecQ like helicase; minus strand). Cytogenetic location: 12p12.1.
Variant type: single nucleotide variant.
Coding change: c.689A>C on transcript NM_002907.4 (MANE Select); coding-DNA position 689, A replaced by C.
Protein change: p.Asp230Ala; replaces aspartic acid 230 with alanine.
Molecular consequence: missense variant.
Genome position (GRCh38, 1-based): chr12:21,483,387, T>G on the plus strand (A>C on the coding strand, the complement: RECQL is on the minus strand). VCF-style: chr12-21483387-T-G. GRCh37 (hg19) VCF-style: chr12-21636321-T-G.
Other names: c.689A>C, p.Asp230Ala (NM_032941.3); short protein forms D230A.
Identifiers: ClinVar variation 3787927 (VCV003787927.1).

ClinVar aggregate classification (germline): Uncertain significance (1 of 4 stars; one submission).

Submission:

Ambry Genetics
Classification: Uncertain significance. Last evaluated: 2025-03-08. Review status: criteria provided, single submitter. Criteria: Ambry Variant Classification Scheme 2023. Collection method: clinical testing. Allele origin: germline.
Comment: The p.D230A variant (also known as c.689A>C), located in coding exon 5 of the RECQL gene, results from an A to C substitution at nucleotide position 689. The aspartic acid at codon 230 is replaced by alanine, an amino acid with dissimilar properties. This amino acid position is conserved. In addition, this alteration is predicted to be deleterious by in silico analysis. Based on the available evidence, the clinical significance of this variant remains unclear.